The following is an entry in ClinVar:

ClinVar aggregate classification (germline): Likely benign. Review status: criteria provided, multiple submitters, no conflicts (2 of 4 stars). 4 submissions from 4 submitters: Likely benign (3). 1 of the submissions does not count toward it. Last evaluated 2025-10-18.

Conditions:
FLNA-related disorder.
Melnick-Needles syndrome (MNS). Also called: MELNICK-NEEDLES OSTEODYSPLASTY; Melnick-Needles Syndrome (FLNA-MNS); OSTEODYSPLASTY OF MELNICK AND NEEDLES. Identifiers: Orphanet 2484, MedGen C0025237, MONDO:0010650, OMIM 309350.
Frontometaphyseal dysplasia (FMD1). Identifiers: Orphanet 1826, MedGen C0265293, MONDO:0015942.
Heterotopia, periventricular, X-linked dominant (PVNH1). Also called: PERIVENTRICULAR NODULAR HETEROTOPIA 4; HETEROTOPIA, PERIVENTRICULAR, 1; PERIVENTRICULAR NODULAR HETEROTOPIA 1; X-linked periventricular heterotopia. Identifiers: Orphanet 2149, Orphanet 82004, MedGen C1848213, MONDO:0010233, OMIM 300049.
Oto-palato-digital syndrome, type II (OPD2). Also called: Otopalatodigital Syndrome Type 2 (FLNA-OPD2); FACIOPALATOOSSEOUS SYNDROME; OPD II SYNDROME; Otopalatodigital Syndrome, Type II. Identifiers: Orphanet 669, Orphanet 90652, MedGen C1844696, MONDO:0010571, OMIM 304120.
Familial thoracic aortic aneurysm and aortic dissection (TAAD). Also called: Thoracic aortic aneurysms and dissections. Identifiers: Orphanet 91387, MedGen C4707243, MONDO:0019625.

Allele frequency attached by ClinVar (database versions not stated): gnomAD 0.00001; gnomAD exomes 0.00001; TOPMed 0.00002.
gnomAD v4.1: 14 of 1,210,343 alleles (0.0012%); highest among the groups gnomAD compares: South Asian, 0.0018%; no homozygotes.

Submissions (4):

Labcorp Genetics (formerly Invitae), Labcorp
Classification: Likely benign for Oto-palato-digital syndrome, type II; Heterotopia, periventricular, X-linked dominant; Frontometaphyseal dysplasia; Melnick-Needles syndrome. Last evaluated: 2025-10-18. Review status: criteria provided, single submitter. Criteria: Invitae Variant Classification Sherloc (09022015). Collection method: clinical testing. Allele origin: germline.

Ambry Genetics
Classification: Likely benign for Familial thoracic aortic aneurysm and aortic dissection. Last evaluated: 2025-04-05. Review status: criteria provided, single submitter. Criteria: Ambry Variant Classification Scheme 2023. Collection method: clinical testing. Allele origin: germline.

GeneDx
Classification: Likely benign. Last evaluated: 2017-10-18. Review status: criteria provided, single submitter. Criteria: GeneDx Variant Classification (06012015). Collection method: clinical testing. Allele origin: germline. Affected: yes.
Comment: This variant is considered likely benign or benign based on one or more of the following criteria: it is a conservative change, it occurs at a poorly conserved position in the protein, it is predicted to be benign by multiple in silico algorithms, and/or has population frequency not consistent with disease.

PreventionGenetics, part of Exact Sciences
Classification: Likely benign for FLNA-related condition. Last evaluated: 2023-08-17. Review status: no assertion criteria provided. Collection method: clinical testing. Allele origin: germline. Not counted in ClinVar's aggregate classification.
Comment: This variant is classified as likely benign based on ACMG/AMP sequence variant interpretation guidelines (Richards et al. 2015 PMID: 25741868, with internal and published modifications).

NM_001110556.2(FLNA):c.999C>T (p.Thr333=)

Gene: FLNA (filamin A; minus strand). Cytogenetic location: Xq28.
Variant type: single nucleotide variant.
Coding change: c.999C>T on transcript NM_001110556.2 (MANE Select); coding-DNA position 999, C replaced by T.
Protein change: p.Thr333=; no amino-acid change (threonine 333 retained).
Molecular consequence: synonymous variant.
Genome position (GRCh38, 1-based): chrX:154,366,628, G>A on the plus strand (C>T on the coding strand, the complement: FLNA is on the minus strand). VCF-style: chrX-154366628-G-A. GRCh37 (hg19) VCF-style: chrX-153594996-G-A.
Other names: c.999C>T, p.Thr333= (NM_001456.4); c.999C>T (NM_001110556.1).
Identifiers: ClinVar variation 512809 (VCV000512809.15), dbSNP rs1167180795, ClinGen allele CA519709811.